The following is an entry in ClinVar:

NM_000393.5(COL5A2):c.3836T>C (p.Ile1279Thr)

Gene: COL5A2 (collagen type V alpha 2 chain; minus strand). Cytogenetic location: 2q32.2.
Variant type: single nucleotide variant.
Coding change: c.3836T>C on transcript NM_000393.5 (MANE Select); coding-DNA position 3836, T replaced by C.
Protein change: p.Ile1279Thr; replaces isoleucine 1279 with threonine.
Molecular consequence: missense variant.
Genome position (GRCh38, 1-based): chr2:189,039,361, A>G on the plus strand (T>C on the coding strand, the complement: COL5A2 is on the minus strand). VCF-style: chr2-189039361-A-G. GRCh37 (hg19) VCF-style: chr2-189904087-A-G.
Other names: short protein forms I1279T.
Identifiers: ClinVar variation 197920 (VCV000197920.21), dbSNP rs752658223, ClinGen allele CA246312.
Genomic context (GRCh38, chr2:189,039,361, plus strand): 5'-AGGTCATCACACGTGCGGGCTGGGTGCTTTTTCGAGCCATCGGGGCTGCGCATGGTTTCA[A>G]TCTGACTACTGAGTGACTTCAGGGTAGCATGAACCCCTGGGTCCGTTTTGTTTTTGTCAT-3'
Protein context (NP_000384.2, residues 1269-1289): HATLKSLSSQ[Ile1279Thr]ETMRSPDGSK

ClinVar aggregate classification (germline): Conflicting classifications of pathogenicity. Review status: criteria provided, conflicting classifications (1 of 4 stars). 4 submissions from 4 submitters: Uncertain significance (3); Likely benign (1). Last evaluated 2025-12-30.

Conditions:
Ehlers-Danlos syndrome, classic type, 1 (EDSCL1). Also called: Ehlers-Danlos Syndrome, Classic Type, COL5A1-Related; EHLERS-DANLOS SYNDROME, GRAVIS TYPE; EHLERS-DANLOS SYNDROME, SEVERE CLASSIC TYPE; Ehlers-Danlos syndrome, type 1; EDS I. Identifiers: MedGen C0268335, MONDO:0019567, OMIM 130000.
Ehlers-Danlos syndrome, classic type, 2 (EDSCL2). Also called: Ehlers-Danlos Syndrome, Classic Type, COL5A2-Related; Ehlers-Danlos syndrome type 2 (formerly); Ehlers-Danlos syndrome, type 2. Identifiers: Orphanet 287, Orphanet 90318, MedGen C0268336, MONDO:0019568, OMIM 130010.
Connective tissue disorder. Also called: Connective tissue disease. Identifiers: MedGen C0009782, MONDO:0003900.

Allele frequency attached by ClinVar (database versions not stated): gnomAD exomes below 0.00001 and 0.00002; TOPMed below 0.00001; ExAC 0.00001; gnomAD 0.00001.
gnomAD v4.1: 34 of 1,613,926 alleles (0.0021%); highest among the groups gnomAD compares: Non-Finnish European, 0.0025%; no homozygotes.

Submissions (4):

Labcorp Genetics (formerly Invitae), Labcorp
Classification: Likely benign for Ehlers-Danlos syndrome, classic type, 1. Last evaluated: 2025-12-30. Review status: criteria provided, single submitter. Criteria: Invitae Variant Classification Sherloc (09022015). Collection method: clinical testing. Allele origin: germline.

ARUP Laboratories, Molecular Genetics and Genomics, ARUP Laboratories
Classification: Uncertain significance for Ehlers-Danlos syndrome, classic type, 2. Last evaluated: 2022-01-12. Review status: criteria provided, single submitter. Criteria: ARUP Molecular Germline Variant Investigation Process 2021. Collection method: clinical testing. Allele origin: germline.
Comment: The COL5A2 c.3836T>C; p.Ile1279Thr variant (rs752658223), to our knowledge, is not reported in the medical literature but is reported in ClinVar (Variation ID: 197920). This variant is only observed on one allele in the Genome Aggregation Database, indicating it is not a common polymorphism. The isoleucine at codon 1279 is moderately conserved, and computational analyses predict that this variant is deleterious (REVEL: 0.749). However, given the lack of clinical and functional data, the significance of the p.Ile1279Thr variant is uncertain at this time.

Center for Human Genetics, Inc
Classification: Uncertain significance for Connective tissue disorder. Last evaluated: 2018-06-01. Review status: criteria provided, single submitter. Criteria: ACMG Guidelines, 2015. Collection method: clinical testing. Allele origin: germline. Affected: yes.

Eurofins Ntd Llc (ga)
Classification: Uncertain significance. Last evaluated: 2015-04-06. Review status: criteria provided, single submitter. Criteria: EGL Classification Definitions 2015. Collection method: clinical testing. Allele origin: germline. Observed: 1 variant allele, 1 heterozygote.